The following is an entry in ClinVar:

NM_015559.3(SETBP1):c.44dup (p.Glu16fs)

Gene: SETBP1 (SET binding protein 1; plus strand). Cytogenetic location: 18q12.3.
Variant type: Duplication.
Coding change: c.44dup on transcript NM_015559.3 (MANE Select); coding-DNA position 44, one base duplicated (G; older notation c.44dupG).
Protein change: p.Glu16fs; shifts the reading frame from glutamic acid 16.
Molecular consequence: frameshift variant.
Genome position (GRCh38, 1-based): chr18:44,701,390, G duplicated; the last of 5 consecutive G bases (chr18:44,701,386-44,701,390); duplicating any one gives the same sequence. VCF-style (leftmost placement, unchanged base first): chr18-44701385-A-AG. GRCh37 (hg19) VCF-style: chr18-42281350-A-AG.
Other names: c.44dup, p.Glu16fs (NM_001130110.2, NM_001379141.1, NM_001379142.1); short protein forms E16fs.
Identifiers: ClinVar variation 934587 (VCV000934587.13), dbSNP rs1231303606, ClinGen allele CA629927114.

ClinVar aggregate classification (germline): Pathogenic/Likely pathogenic. Review status: criteria provided, multiple submitters, no conflicts (2 of 4 stars). 3 submissions from 3 submitters: Pathogenic (2); Likely pathogenic (1). Last evaluated 2022-09-27.

Conditions:
Intellectual developmental disorder, autosomal dominant 29. Also called: SETBP1 Haploinsufficiency Disorder; Intellectual disability, autosomal dominant 29. Identifiers: Orphanet 436151, MedGen C4015141, MONDO:0014482, OMIM 616078.

Submissions (3):

Institute for Medical Genetics and Human Genetics, Charité - Universitätsmedizin Berlin
Classification: Pathogenic for Intellectual developmental disorder, autosomal dominant 29. Last evaluated: 2022-09-27. Review status: criteria provided, single submitter. Criteria: ACMG Guidelines, 2015. Collection method: clinical testing. Allele origin: germline. Inheritance: Autosomal dominant inheritance. Affected: yes. Observed: 1 heterozygote.

Labcorp Genetics (formerly Invitae), Labcorp
Classification: Pathogenic. Last evaluated: 2019-08-29. Review status: criteria provided, single submitter. Criteria: Invitae Variant Classification Sherloc (09022015). Collection method: clinical testing. Allele origin: germline.
Comment: For these reasons, this variant has been classified as Pathogenic. Loss-of-function variants in SETBP1 are known to be pathogenic (PMID: 21037274, 25217958). This variant has not been reported in the literature in individuals with SETBP1-related conditions. This variant is not present in population databases (ExAC no frequency). This sequence change creates a premature translational stop signal (p.Glu16Argfs*47) in the SETBP1 gene. It is expected to result in an absent or disrupted protein product.

Juno Genomics, Hangzhou Juno Genomics, Inc
Classification: Likely pathogenic for Intellectual developmental disorder, autosomal dominant 29. Review status: criteria provided, single submitter. Criteria: ACMG Guidelines, 2015. Collection method: clinical testing. Allele origin: germline.
Comment: Null variant in a gene where loss of function (LOF) is a known mechanism of disease.;Absent from controls (or at extremely low frequency if recessive) in Genome Aggregation Database.

Literature cited by the submitters: PubMed 21037274 (cited by Labcorp Genetics (formerly Invitae), Labcorp); PubMed 25217958 (cited by Labcorp Genetics (formerly Invitae), Labcorp).